The following is an entry in ClinVar:

NM_153704.6(TMEM67):c.252del (p.Gln85fs)

Gene: TMEM67 (transmembrane protein 67; plus strand). Cytogenetic location: 8q22.1.
Variant type: Deletion.
Coding change: c.252del on transcript NM_153704.6 (MANE Select); coding-DNA position 252, one base deleted (T; older notation c.252delT).
Protein change: p.Gln85fs; shifts the reading frame from glutamine 85.
Molecular consequence: frameshift variant. On other transcripts: non-coding transcript variant (1), intron variant (1).
Genome position (GRCh38, 1-based): chr8:93,755,806, T deleted; the last of 3 consecutive T bases (chr8:93,755,804-93,755,806); deleting any one gives the same sequence. VCF-style (leftmost placement, unchanged base first): chr8-93755803-AT-A. GRCh37 (hg19) VCF-style: chr8-94768031-AT-A.
Other names: c.-62+669del (NM_001142301.1); short protein forms Q85fs.
Identifiers: ClinVar variation 3756685 (VCV003756685.2).

ClinVar aggregate classification (germline): Pathogenic (1 of 4 stars; one submission).

Conditions:
Joubert syndrome. Also called: CEREBELLOPARENCHYMAL DISORDER IV; JOUBERT-BOLTSHAUSER SYNDROME; Familial aplasia of the vermis. Identifiers: Orphanet 475, MedGen C5979921, MONDO:0018772.
Meckel-Gruber syndrome. Also called: DYSENCEPHALIA SPLANCHNOCYSTICA; GRUBER SYNDROME; Dysencephalia splachnocystica. Identifiers: Orphanet 564, MedGen C0265215, MONDO:0018921.

Submission:

Labcorp Genetics (formerly Invitae), Labcorp
Classification: Pathogenic for Joubert syndrome; Meckel-Gruber syndrome. Last evaluated: 2024-06-05. Review status: criteria provided, single submitter. Criteria: Invitae Variant Classification Sherloc (09022015). Collection method: clinical testing. Allele origin: germline.
Comment: This sequence change creates a premature translational stop signal (p.Gln85Argfs*2) in the TMEM67 gene. It is expected to result in an absent or disrupted protein product. Loss-of-function variants in TMEM67 are known to be pathogenic (PMID: 20232449, 23559409). This variant is not present in population databases (gnomAD no frequency). This variant has not been reported in the literature in individuals affected with TMEM67-related conditions. For these reasons, this variant has been classified as Pathogenic.

Literature cited by the submitters: PubMed 20232449; PubMed 23559409.